The following is an entry in ClinVar:

ClinVar aggregate classification (germline): Pathogenic (1 of 4 stars; one submission).

Conditions:
Short-rib thoracic dysplasia 14 with polydactyly (SRTD14). Identifiers: Orphanet 397715, MedGen C4225286, MONDO:0014688, OMIM 616546.
Joubert syndrome 23 (JBTS23). Identifiers: Orphanet 475, MedGen C4084822, MONDO:0014664, OMIM 616490.

Submission:

Labcorp Genetics (formerly Invitae), Labcorp
Classification: Pathogenic for Joubert syndrome 23; Short-rib thoracic dysplasia 14 with polydactyly. Last evaluated: 2023-05-09. Review status: criteria provided, single submitter. Criteria: Invitae Variant Classification Sherloc (09022015). Collection method: clinical testing. Allele origin: germline.
Comment: For these reasons, this variant has been classified as Pathogenic. Studies have shown that disruption of this splice site results in skipping of exon 9 and introduces a premature termination codon (PMID: 26026149). The resulting mRNA is expected to undergo nonsense-mediated decay. Disruption of this splice site has been observed in individual(s) with Joubert syndrome (PMID: 26026149). In at least one individual the data is consistent with being in trans (on the opposite chromosome) from a pathogenic variant. This variant is not present in population databases (gnomAD no frequency). This sequence change affects a donor splice site in intron 9 of the KIAA0586 gene. RNA analysis indicates that disruption of this splice site induces altered splicing and may result in an absent or disrupted protein product.

Literature cited by the submitters: PubMed 26026149.

NM_001329943.3(KIAA0586):c.961+1G>A

Gene: KIAA0586 (KIAA0586; plus strand). Cytogenetic location: 14q23.1.
Variant type: single nucleotide variant.
Coding change: c.961+1G>A on transcript NM_001329943.3 (MANE Select); the canonical splice donor site of the intron after coding-DNA position 961, G replaced by A.
Molecular consequence: splice donor variant.
Genome position (GRCh38, 1-based): chr14:58,448,494, G>A. VCF-style: chr14-58448494-G-A. GRCh37 (hg19) VCF-style: chr14-58915212-G-A.
Other names: c.1120+1G>A (NM_001244189.2); c.916+1G>A (NM_001244190.2); c.829+1G>A (NM_001244192.2); c.706+1G>A (NM_001244191.2, NM_001364701.2, NM_001329945.2 and 1 more transcripts); c.961+1G>A (NM_001329944.2, NM_001329946.2, NM_001329947.2 and 1 more transcripts); c.541+1G>A (NM_001244193.2).
Identifiers: ClinVar variation 2923657 (VCV002923657.3), dbSNP rs2542905627, ClinGen allele CA389864303.